The following is an entry in ClinVar:

ClinVar aggregate classification (germline): Uncertain significance. Review status: criteria provided, multiple submitters, no conflicts (2 of 4 stars). 2 submissions from 2 submitters: Uncertain significance (2). Last evaluated 2025-10-27.

Conditions:
Gorlin syndrome. Also called: Nevoid Basal Cell Carcinoma Syndrome; Basal cell nevus syndrome. Identifiers: Orphanet 377, MedGen C0004779, MONDO:0007187.
Medulloblastoma (MDB). Also called: MEDULLOBLASTOMA PREDISPOSITION SYNDROME; Medulloblastoma, somatic. Identifiers: Orphanet 616, MedGen C0025149, MeSH D008527, MONDO:0007959, OMIM 155255, HP:0002885.
Hereditary cancer-predisposing syndrome. Also called: Hereditary neoplastic syndrome; Tumor predisposition; Neoplastic Syndromes, Hereditary; Hereditary Cancer Syndrome. Identifiers: Orphanet 140162, MedGen C0027672, MeSH D009386, MONDO:0015356.

Submissions (2):

Labcorp Genetics (formerly Invitae), Labcorp
Classification: Uncertain significance for Gorlin syndrome; Medulloblastoma. Last evaluated: 2025-10-27. Review status: criteria provided, single submitter. Criteria: Invitae Variant Classification Sherloc (09022015). Collection method: clinical testing. Allele origin: germline.
Comment: This sequence change replaces aspartic acid, which is acidic and polar, with histidine, which is basic and polar, at codon 248 of the SUFU protein (p.Asp248His). This variant is not present in population databases (gnomAD no frequency). This variant has not been reported in the literature in individuals affected with SUFU-related conditions. ClinVar contains an entry for this variant (Variation ID: 861332). Invitae Evidence Modeling of protein sequence and biophysical properties (such as structural, functional, and spatial information, amino acid conservation, physicochemical variation, residue mobility, and thermodynamic stability) indicates that this missense variant is not expected to disrupt SUFU protein function with a negative predictive value of 80%. In summary, the available evidence is currently insufficient to determine the role of this variant in disease. Therefore, it has been classified as a Variant of Uncertain Significance.

Ambry Genetics
Classification: Uncertain significance for Hereditary cancer-predisposing syndrome. Last evaluated: 2025-08-26. Review status: criteria provided, single submitter. Criteria: Ambry Variant Classification Scheme 2023. Collection method: clinical testing. Allele origin: germline.
Comment: The p.D248H variant (also known as c.742G>C), located in coding exon 6 of the SUFU gene, results from a G to C substitution at nucleotide position 742. The aspartic acid at codon 248 is replaced by histidine, an amino acid with similar properties. This amino acid position is conserved. In addition, this alteration is predicted to be deleterious by in silico analysis. Since supporting evidence is limited at this time, the clinical significance of this alteration remains unclear.

NM_016169.4(SUFU):c.742G>C (p.Asp248His)

Gene: SUFU (SUFU negative regulator of hedgehog signaling; plus strand). Cytogenetic location: 10q24.32.
Variant type: single nucleotide variant.
Coding change: c.742G>C on transcript NM_016169.4 (MANE Select); coding-DNA position 742, G replaced by C.
Protein change: p.Asp248His; replaces aspartic acid 248 with histidine.
Molecular consequence: missense variant.
Genome position (GRCh38, 1-based): chr10:102,594,051, G>C. VCF-style: chr10-102594051-G-C. GRCh37 (hg19) VCF-style: chr10-104353808-G-C.
Other names: c.742G>C, p.Asp248His (NM_001178133.2); short protein forms D248H.
Identifiers: ClinVar variation 861332 (VCV000861332.13), dbSNP rs1283509771, ClinGen allele CA377909906.
Genomic context (GRCh38, chr10:102,594,051, plus strand): 5'-AGTGCTGGCGGCCCCTGGCTGATAACTGACATGCGGAGGGGAGAGACCATATTTGAGATC[G>C]ATCCACACCTGCAAGTATGTCTTGAGTGAGGAAAACCTTTCTAGCACCCTGTGCCTAGGC-3'
Protein context (NP_057253.2, residues 238-258): MRRGETIFEI[Asp248His]PHLQERVDKG